The following is an entry in ClinVar:

ClinVar aggregate classification (germline): Uncertain significance (1 of 4 stars; one submission).

gnomAD v4.1: 1 of 1,614,196 alleles (0.000062%); highest among the groups gnomAD compares: Non-Finnish European, 0.000085%; no homozygotes.

Submission:

Women's Health and Genetics/Laboratory Corporation of America, LabCorp
Classification: Uncertain significance. Last evaluated: 2025-03-06. Review status: criteria provided, single submitter. Criteria: LabCorp Variant Classification Summary - May 2015. Collection method: clinical testing. Allele origin: germline.
Comment: Variant summary: SPEN c.6534C>G (p.Ile2178Met) results in a conservative amino acid change in the encoded protein sequence. Three of five in-silico tools predict a damaging effect of the variant on protein function. The variant was absent in 251090 control chromosomes. The available data on variant occurrences in the general population are insufficient to allow any conclusion about variant significance. To our knowledge, no occurrence of c.6534C>G in individuals affected with Radio-Tartaglia Syndrome and no experimental evidence demonstrating its impact on protein function have been reported. No submitters have cited clinical-significance assessments for this variant to ClinVar. Based on the evidence outlined above, the variant was classified as uncertain significance.

NM_015001.3(SPEN):c.6534C>G (p.Ile2178Met)

Gene: SPEN (spen family transcriptional repressor; plus strand). Cytogenetic location: 1p36.13.
Variant type: single nucleotide variant.
Coding change: c.6534C>G on transcript NM_015001.3 (MANE Select); coding-DNA position 6534, C replaced by G.
Protein change: p.Ile2178Met; replaces isoleucine 2178 with methionine.
Molecular consequence: missense variant.
Genome position (GRCh38, 1-based): chr1:15,932,774, C>G. VCF-style: chr1-15932774-C-G. GRCh37 (hg19) VCF-style: chr1-16259269-C-G.
Other names: short protein forms I2178M.
Identifiers: ClinVar variation 3895811 (VCV003895811.1).